The following is an entry in ClinVar:

ClinVar aggregate classification (germline): Uncertain significance (1 of 4 stars; one submission).

gnomAD v4.1: 42 of 1,607,698 alleles (0.0026%); highest among the groups gnomAD compares: Non-Finnish European, 0.0036%; no homozygotes.

Submission:

Ambry Genetics
Classification: Uncertain significance. Last evaluated: 2026-03-17. Review status: criteria provided, single submitter. Criteria: Ambry Variant Classification Scheme 2023. Collection method: clinical testing. Allele origin: germline.
Comment: The c.84+1G>A intronic variant results from a G to A substitution one nucleotide after coding exon 1 of the RAD51B gene. This nucleotide position is highly conserved in available vertebrate species. In silico splice site analysis predicts that this alteration will weaken the native splice donor site. The evidence for this gene-disease relationship is limited; therefore, the clinical significance of this variant is unclear.

NM_133510.4(RAD51B):c.84+1G>A

Gene: RAD51B (RAD51 paralog B; plus strand). Cytogenetic location: 14q24.1.
Variant type: single nucleotide variant.
Coding change: c.84+1G>A on transcript NM_133510.4 (MANE Select); the canonical splice donor site of the intron after coding-DNA position 84, G replaced by A.
Molecular consequence: splice donor variant.
Genome position (GRCh38, 1-based): chr14:67,823,628, G>A. VCF-style: chr14-67823628-G-A. GRCh37 (hg19) VCF-style: chr14-68290345-G-A.
Other names: c.84+1G>A (NM_001321810.2, NM_133509.5, NM_001321814.2 and 6 more transcripts); c.-372+1G>A (NM_001321817.2); c.-31+1G>A (NM_001321815.1).
Identifiers: ClinVar variation 4862871 (VCV004862871.1).
Genomic context (GRCh38, chr14:67,823,628, plus strand): 5'-GTGGGTTTATCACAAGAGCTGTGTGACCGTCTGAGTAGACATCAGATCCTTACCTGTCAG[G>A]TAAATTTTATTTAACATTTTTATTGATAAGTTTTATGCACAAGTTAACTTTATACCTTAA-3'